The following is an entry in ClinVar:

NM_006231.4(POLE):c.26G>A (p.Arg9Gln)

Genes: POLE (DNA polymerase epsilon, catalytic subunit; minus strand), LOC130009266 (ATAC-STARR-seq lymphoblastoid silent region 5123; plus strand). Cytogenetic location: 12q24.33.
Variant type: single nucleotide variant.
Coding change: c.26G>A on transcript NM_006231.4 (MANE Select); coding-DNA position 26, G replaced by A.
Protein change: p.Arg9Gln; replaces arginine 9 with glutamine.
Molecular consequence: missense variant.
Genome position (GRCh38, 1-based): chr12:132,687,290, C>T on the plus strand (G>A on the coding strand, the complement: POLE is on the minus strand). VCF-style: chr12-132687290-C-T. GRCh37 (hg19) VCF-style: chr12-133263876-C-T.
Other names: c.26G>A (NM_006231.2); short protein forms R9Q.
Identifiers: ClinVar variation 852392 (VCV000852392.11), dbSNP rs2043298739, ClinGen allele CA387373463.

ClinVar aggregate classification (germline): Uncertain significance. Review status: criteria provided, multiple submitters, no conflicts (2 of 4 stars). 2 submissions from 2 submitters: Uncertain significance (2). Last evaluated 2024-12-18.

Conditions:
Hereditary cancer-predisposing syndrome. Also called: Neoplastic Syndromes, Hereditary; Hereditary Cancer Syndrome; Tumor predisposition; Hereditary neoplastic syndrome. Identifiers: Orphanet 140162, MedGen C0027672, MeSH D009386, MONDO:0015356.

gnomAD v4.1: 6 of 1,503,756 alleles (0.0004%); highest among the groups gnomAD compares: Non-Finnish European, 0.00053%; no homozygotes.

Submissions (2):

Labcorp Genetics (formerly Invitae), Labcorp
Classification: Uncertain significance. Last evaluated: 2024-12-18. Review status: criteria provided, single submitter. Criteria: Invitae Variant Classification Sherloc (09022015). Collection method: clinical testing. Allele origin: germline.
Comment: This sequence change replaces arginine, which is basic and polar, with glutamine, which is neutral and polar, at codon 9 of the POLE protein (p.Arg9Gln). This variant is not present in population databases (gnomAD no frequency). This variant has not been reported in the literature in individuals affected with POLE-related conditions. ClinVar contains an entry for this variant (Variation ID: 852392). Experimental studies and prediction algorithms are not available or were not evaluated, and the functional significance of this variant is currently unknown. In summary, the available evidence is currently insufficient to determine the role of this variant in disease. Therefore, it has been classified as a Variant of Uncertain Significance.

Ambry Genetics
Classification: Uncertain significance for Hereditary cancer-predisposing syndrome. Last evaluated: 2023-02-08. Review status: criteria provided, single submitter. Criteria: Ambry Variant Classification Scheme 2023. Collection method: clinical testing. Allele origin: germline.
Comment: The p.R9Q variant (also known as c.26G>A), located in coding exon 1 of the POLE gene, results from a G to A substitution at nucleotide position 26. The arginine at codon 9 is replaced by glutamine, an amino acid with highly similar properties. This amino acid position is conserved. In addition, this alteration is predicted to be tolerated by in silico analysis. Since supporting evidence is limited at this time, the clinical significance of this alteration remains unclear.